The following is an entry in ClinVar:

NM_001386140.1(MTTP):c.1540C>T (p.Pro514Ser)

Gene: MTTP (microsomal triglyceride transfer protein; plus strand). Cytogenetic location: 4q23.
Variant type: single nucleotide variant.
Coding change: c.1540C>T on transcript NM_001386140.1 (MANE Select); coding-DNA position 1540, C replaced by T.
Protein change: p.Pro514Ser; replaces proline 514 with serine.
Molecular consequence: missense variant.
Genome position (GRCh38, 1-based): chr4:99,606,943, C>T. VCF-style: chr4-99606943-C-T. GRCh37 (hg19) VCF-style: chr4-100528100-C-T.
Other names: c.1540C>T, p.Pro514Ser (NM_000253.4); c.1291C>T, p.Pro431Ser (NM_001300785.2); short protein forms P431S, P514S.
Identifiers: ClinVar variation 1054307 (VCV001054307.4), dbSNP rs200114105, ClinGen allele CA3022121.

ClinVar aggregate classification (germline): Uncertain significance. Review status: criteria provided, single submitter (1 of 4 stars). 2 submissions from 2 submitters: Uncertain significance (1). 1 of the submissions does not count toward it. Last evaluated 2024-06-26.

Conditions:
Abetalipoproteinaemia (ABL). Also called: Abetalipoproteinemia; MTP DEFICIENCY; Abetalipoproteinemia neuropathy; Apolipoprotein B deficiency; Congenital betalipoprotein deficiency syndrome. Identifiers: Orphanet 14, MedGen C0000744, MONDO:0008692, OMIM 200100, HP:0008181.

Allele frequency attached by ClinVar (database versions not stated): gnomAD exomes 0.00003 and 0.00004; ExAC 0.00004; TOPMed 0.00004; gnomAD 0.00007.
gnomAD v4.1: 79 of 1,613,268 alleles (0.0049%); highest among the groups gnomAD compares: East Asian, 0.0067%; no homozygotes.

Submissions (2):

Labcorp Genetics (formerly Invitae), Labcorp
Classification: Uncertain significance. Last evaluated: 2024-06-26. Review status: criteria provided, single submitter. Criteria: Invitae Variant Classification Sherloc (09022015). Collection method: clinical testing. Allele origin: germline.
Comment: This sequence change replaces proline, which is neutral and non-polar, with serine, which is neutral and polar, at codon 514 of the MTTP protein (p.Pro514Ser). This variant is present in population databases (rs200114105, gnomAD 0.006%). This variant has not been reported in the literature in individuals affected with MTTP-related conditions. ClinVar contains an entry for this variant (Variation ID: 1054307). Advanced modeling of protein sequence and biophysical properties (such as structural, functional, and spatial information, amino acid conservation, physicochemical variation, residue mobility, and thermodynamic stability) performed at Invitae indicates that this missense variant is not expected to disrupt MTTP protein function with a negative predictive value of 80%. In summary, the available evidence is currently insufficient to determine the role of this variant in disease. Therefore, it has been classified as a Variant of Uncertain Significance.

Natera, Inc.
Classification: Uncertain significance for Abetalipoproteinemia. Last evaluated: 2020-03-10. Review status: no assertion criteria provided. Collection method: clinical testing. Allele origin: germline. Not counted in ClinVar's aggregate classification.